The following is an entry in ClinVar:

NM_207037.2(TCF12):c.1189-5G>C

Gene: TCF12 (transcription factor 12; plus strand). Cytogenetic location: 15q21.3.
Variant type: single nucleotide variant.
Coding change: c.1189-5G>C on transcript NM_207037.2 (MANE Select); 5 bases into the intron before coding-DNA position 1189, G replaced by C.
Molecular consequence: intron variant.
Genome position (GRCh38, 1-based): chr15:57,252,416, G>C. VCF-style: chr15-57252416-G-C. GRCh37 (hg19) VCF-style: chr15-57544614-G-C.
Other names: c.1189-5G>C (NM_001322151.2, NM_001322159.3, NM_001322152.2 and 3 more transcripts); c.1189-846G>C (NM_001322157.3, NM_003205.4, NM_207038.2 and 1 more transcripts); c.1015-5G>C (NM_001322156.2); c.1015-846G>C (NM_001322158.2); c.532-5G>C (NM_001322154.2); c.1225-846G>C (NM_001322164.2); c.679-5G>C (NM_001306219.3); c.679-846G>C (NM_207040.2); and 1 more.
Identifiers: ClinVar variation 2578071 (VCV002578071.1), dbSNP rs2551483741, ClinGen allele CA2580617698.

ClinVar aggregate classification (germline): Uncertain significance (1 of 4 stars; one submission).

Submission:

GeneDx
Classification: Uncertain significance. Last evaluated: 2023-03-02. Review status: criteria provided, single submitter. Criteria: GeneDx Variant Classification Process June 2021. Collection method: clinical testing. Allele origin: germline. Affected: yes.
Comment: Not observed at significant frequency in large population cohorts (gnomAD); In silico analysis supports that this variant does not alter splicing; Has not been previously published as pathogenic or benign to our knowledge